The following is an entry in ClinVar:

ClinVar aggregate classification (germline): Uncertain significance. Review status: criteria provided, multiple submitters, no conflicts (2 of 4 stars). 5 submissions from 5 submitters: Uncertain significance (5). Last evaluated 2025-07-23.

Conditions:
Hereditary cancer-predisposing syndrome. Also called: Neoplastic Syndromes, Hereditary; Hereditary Cancer Syndrome; Tumor predisposition; Hereditary neoplastic syndrome. Identifiers: Orphanet 140162, MedGen C0027672, MeSH D009386, MONDO:0015356.
Tuberous sclerosis 1 (TSC1). Identifiers: Orphanet 805, MedGen C1854465, MONDO:0008612, OMIM 191100.
Tuberous sclerosis syndrome (TSC). Also called: Tuberous Sclerosis Complex; Tuberous sclerosis. Identifiers: Orphanet 805, MedGen C0041341, MONDO:0001734.

Submissions (5):

Color Diagnostics, LLC DBA Color Health
Classification: Uncertain significance for Tuberous sclerosis syndrome. Last evaluated: 2025-07-23. Review status: criteria provided, single submitter. Criteria: ACMG Guidelines, 2015. Collection method: clinical testing. Allele origin: germline.
Comment: This missense variant replaces glycine with arginine at codon 939 of the TSC1 protein. Computational prediction suggests that this variant may not impact protein structure and function. To our knowledge, functional studies have not been reported for this variant. This variant has not been reported in individuals affected with TSC1-related disorders in the literature. This variant has not been identified in the general population by the Genome Aggregation Database (gnomAD). The available evidence is insufficient to determine the role of this variant in disease conclusively. Therefore, this variant is classified as a Variant of Uncertain Significance.

Quest Diagnostics Nichols Institute San Juan Capistrano
Classification: Uncertain significance. Last evaluated: 2024-12-02. Review status: criteria provided, single submitter. Criteria: Quest Diagnostics criteria. Collection method: clinical testing. Allele origin: unknown.

All of Us Research Program, National Institutes of Health
Classification: Uncertain significance for Tuberous sclerosis syndrome. Last evaluated: 2023-10-27. Review status: criteria provided, single submitter. Criteria: ACMG Guidelines, 2015. Collection method: clinical testing. Allele origin: germline. Inheritance: Autosomal dominant inheritance. Observed: 1 variant allele, 1 heterozygote.
Comment: This study involves interpretation of variants in research participants for the purpose of population health screening. Participant phenotype was not available at the time of variant classification. Additional details can be found in publication PMID: 35346344, PMCID: PMC8962531

Labcorp Genetics (formerly Invitae), Labcorp
Classification: Uncertain significance for Tuberous sclerosis 1. Last evaluated: 2022-04-25. Review status: criteria provided, single submitter. Criteria: Invitae Variant Classification Sherloc (09022015). Collection method: clinical testing. Allele origin: germline.
Comment: This variant has not been reported in the literature in individuals affected with TSC1-related conditions. In summary, the available evidence is currently insufficient to determine the role of this variant in disease. Therefore, it has been classified as a Variant of Uncertain Significance. Algorithms developed to predict the effect of sequence changes on RNA splicing suggest that this variant may create or strengthen a splice site. Algorithms developed to predict the effect of missense changes on protein structure and function output the following: SIFT: "Tolerated"; PolyPhen-2: "Benign"; Align-GVGD: "Class C0". The arginine amino acid residue is found in multiple mammalian species, which suggests that this missense change does not adversely affect protein function. ClinVar contains an entry for this variant (Variation ID: 582827). This variant is not present in population databases (gnomAD no frequency). This sequence change replaces glycine, which is neutral and non-polar, with arginine, which is basic and polar, at codon 939 of the TSC1 protein (p.Gly939Arg).

Ambry Genetics
Classification: Uncertain significance for Hereditary cancer-predisposing syndrome. Last evaluated: 2017-05-30. Review status: criteria provided, single submitter. Criteria: Ambry Variant Classification Scheme 2023. Collection method: clinical testing. Allele origin: germline.
Comment: The p.G939R variant (also known as c.2815G>A), located in coding exon 20 of the TSC1 gene, results from a G to A substitution at nucleotide position 2815. The glycine at codon 939 is replaced by arginine, an amino acid with dissimilar properties. This amino acid position is not well conserved in available vertebrate species. In addition, this alteration is predicted to be tolerated by in silico analysis. Since supporting evidence is limited at this time, the clinical significance of this alteration remains unclear.

NM_000368.5(TSC1):c.2815G>A (p.Gly939Arg)

Gene: TSC1 (TSC complex subunit 1; minus strand). Cytogenetic location: 9q34.13.
Variant type: single nucleotide variant.
Coding change: c.2815G>A on transcript NM_000368.5 (MANE Select); coding-DNA position 2815, G replaced by A.
Protein change: p.Gly939Arg; replaces glycine 939 with arginine.
Molecular consequence: missense variant.
Genome position (GRCh38, 1-based): chr9:132,897,344, C>T on the plus strand (G>A on the coding strand, the complement: TSC1 is on the minus strand). VCF-style: chr9-132897344-C-T. GRCh37 (hg19) VCF-style: chr9-135772731-C-T.
Other names: c.2812G>A, p.Gly938Arg (NM_001162426.2); c.2662G>A, p.Gly888Arg (NM_001162427.2); c.2452G>A, p.Gly818Arg (NM_001362177.2); short protein forms G939R, G938R, G818R, G888R.
Identifiers: ClinVar variation 582827 (VCV000582827.15), dbSNP rs1564471685, ClinGen allele CA375368950.